The following is an entry in ClinVar:

ClinVar aggregate classification (germline): Pathogenic (1 of 4 stars; one submission).

Conditions:
Biotin-responsive basal ganglia disease (BTBGD). Also called: Thiamine Transporter-2 Deficiency; Thiamine metabolism dysfunction syndrome 2 (biotin- or thiamine-responsive encephalopathy type 2); thiamine-responsive encephalopathy; Thiamine metabolism dysfunction syndrome type 2; THIAMINE METABOLISM DYSFUNCTION SYNDROME 2 (BIOTIN- AND THIAMINE-RESPONSIVE TYPE). Identifiers: Orphanet 199348, Orphanet 65284, MedGen C1843807, MONDO:0011841, OMIM 607483.

Submission:

Labcorp Genetics (formerly Invitae), Labcorp
Classification: Pathogenic for Biotin-responsive basal ganglia disease. Last evaluated: 2024-01-09. Review status: criteria provided, single submitter. Criteria: Invitae Variant Classification Sherloc (09022015). Collection method: clinical testing. Allele origin: unknown.
Comment: This variant is a gross deletion of the genomic region encompassing exon(s) 5 of the SLC19A3 gene. While this deletion is not anticipated to lead to nonsense mediated decay, it is expected to disrupt the C-terminus of the protein. A similar copy number variant has been observed in individual(s) with SLC19A3-related conditions (PMID: 23482991, 24372704). In at least one individual the data is consistent with being in trans (on the opposite chromosome) from a pathogenic variant. It has also been observed to segregate with disease in related individuals. This variant is also known as p.Q393*fs. For these reasons, this variant has been classified as Pathogenic.

Literature cited by the submitters: PubMed 23482991; PubMed 24372704.

NC_000002.11:g.(?_228552862)_(228553043_?)del

Gene: SLC19A3 (solute carrier family 19 member 3; minus strand). Cytogenetic location: 2q36.3.
Variant type: Deletion.
Identifiers: ClinVar variation 3247244 (VCV003247244.1).